The following is an entry in ClinVar:

ClinVar aggregate classification (germline): Likely pathogenic (1 of 4 stars; one submission).

Conditions:
Dilated cardiomyopathy 1G (CMD1G). Identifiers: Orphanet 154, MedGen C1858763, MONDO:0011400, OMIM 604145.

Submission:

Juno Genomics, Hangzhou Juno Genomics, Inc
Classification: Likely pathogenic for Dilated cardiomyopathy 1G. Review status: criteria provided, single submitter. Criteria: ACMG Guidelines, 2015. Collection method: clinical testing. Allele origin: germline.
Comment: Absent from controls (or at extremely low frequency if recessive) in Genome Aggregation Database.;Null variant in a gene where loss of function (LOF) is a known mechanism of disease.

NM_001267550.2(TTN):c.7609A>T (p.Arg2537Ter)

Gene: TTN (titin; minus strand). Cytogenetic location: 2q31.2.
Variant type: single nucleotide variant.
Coding change: c.7609A>T on transcript NM_001267550.2 (MANE Select); coding-DNA position 7609, A replaced by T.
Protein change: p.Arg2537Ter; replaces arginine 2537 with a stop codon.
Molecular consequence: nonsense.
Genome position (GRCh38, 1-based): chr2:178,773,355, T>A on the plus strand (A>T on the coding strand, the complement: TTN is on the minus strand). VCF-style: chr2-178773355-T-A. GRCh37 (hg19) VCF-style: chr2-179638082-T-A.
Other names: c.7609A>T, p.Arg2537Ter (NM_001256850.1, NM_133378.4, NM_133379.5); c.7471A>T, p.Arg2491Ter (NM_003319.4, NM_133432.3, NM_133437.4); short protein forms R2491*, R2537*.
Identifiers: ClinVar variation 4531239 (VCV004531239.2).